The following is an entry in ClinVar:

NM_001430.5(EPAS1):c.869C>T (p.Thr290Ile)

Gene: EPAS1 (endothelial PAS domain protein 1; plus strand). Cytogenetic location: 2p21.
Variant type: single nucleotide variant.
Coding change: c.869C>T on transcript NM_001430.5 (MANE Select); coding-DNA position 869, C replaced by T.
Protein change: p.Thr290Ile; replaces threonine 290 with isoleucine.
Molecular consequence: missense variant.
Genome position (GRCh38, 1-based): chr2:46,369,916, C>T. VCF-style: chr2-46369916-C-T. GRCh37 (hg19) VCF-style: chr2-46597055-C-T.
Other names: short protein forms T290I.
Identifiers: ClinVar variation 2565050 (VCV002565050.2), dbSNP rs1189570289, ClinGen allele CA346701842.
Genomic context (GRCh38, chr2:46,369,916, plus strand): 5'-AGGAGCTGCTTGGCCGCTCAGCCTATGAATTCTACCATGCGCTAGACTCCGAGAACATGA[C>T]CAAGAGTCACCAGAACTGTGAGTTCCAGGAGTGCCCCTTGTGGCTTCCTTGTGTCTGTGG-3'
Protein context (NP_001421.2, residues 280-300): FYHALDSENM[Thr290Ile]KSHQNLCTKG

ClinVar aggregate classification (germline): Uncertain significance (1 of 4 stars; one submission).

Conditions:
Inborn genetic diseases. Identifiers: MedGen C0950123, MeSH D030342.

gnomAD v4.1: 1 of 1,610,564 alleles (0.000062%); highest among the groups gnomAD compares: Admixed American, 0.0017%; no homozygotes.

Submission:

Ambry Genetics
Classification: Uncertain significance for Inborn genetic diseases. Last evaluated: 2023-04-06. Review status: criteria provided, single submitter. Criteria: Ambry Variant Classification Scheme 2023. Collection method: clinical testing. Allele origin: germline.
Comment: The p.T290I variant (also known as c.869C>T), located in coding exon 7 of the EPAS1 gene, results from a C to T substitution at nucleotide position 869. The threonine at codon 290 is replaced by isoleucine, an amino acid with similar properties. This amino acid position is conserved. In addition, the in silico prediction for this alteration is inconclusive. Since supporting evidence is limited at this time, the clinical significance of this alteration remains unclear.